The following is an entry in ClinVar:

ClinVar aggregate classification (germline): Uncertain significance (1 of 4 stars; one submission).

Conditions:
Optic atrophy 3 (OPA3). Also called: OPTIC ATROPHY 3, AUTOSOMAL DOMINANT; Optic atrophy, cataract, and neurologic disorder; Optic atrophy 3 with cataract. Identifiers: Orphanet 67036, MedGen C1833809, MONDO:0008133, OMIM 165300.
3-Methylglutaconic aciduria type 3 (MGCA3). Also called: OPA3, AUTOSOMAL RECESSIVE; OPTIC ATROPHY 3, AUTOSOMAL RECESSIVE; OPA3-Related 3-Methylglutaconic Aciduria; Costeff Syndrome. Identifiers: Orphanet 67047, MedGen C0574084, MONDO:0009787, OMIM 258501.

Submission:

Labcorp Genetics (formerly Invitae), Labcorp
Classification: Uncertain significance for 3-Methylglutaconic aciduria type 3; Optic atrophy 3. Last evaluated: 2024-08-04. Review status: criteria provided, single submitter. Criteria: Invitae Variant Classification Sherloc (09022015). Collection method: clinical testing. Allele origin: germline.
Comment: This sequence change replaces threonine, which is neutral and polar, with isoleucine, which is neutral and non-polar, at codon 88 of the OPA3 protein (p.Thr88Ile). This variant is not present in population databases (gnomAD no frequency). This variant has not been reported in the literature in individuals affected with OPA3-related conditions. An algorithm developed to predict the effect of missense changes on protein structure and function (PolyPhen-2) suggests that this variant is likely to be tolerated. In summary, the available evidence is currently insufficient to determine the role of this variant in disease. Therefore, it has been classified as a Variant of Uncertain Significance.

NM_025136.4(OPA3):c.263C>T (p.Thr88Ile)

Genes: OPA3 (outer mitochondrial membrane lipid metabolism regulator OPA3; minus strand), OPA3-RTN2 (OPA3-RTN2 readthrough; minus strand). Cytogenetic location: 19q13.32.
Variant type: single nucleotide variant.
Coding change: c.263C>T on transcript NM_025136.4 (MANE Select); coding-DNA position 263, C replaced by T.
Protein change: p.Thr88Ile; replaces threonine 88 with isoleucine.
Molecular consequence: missense variant. On other transcripts: intron variant (1).
Genome position (GRCh38, 1-based): chr19:45,553,791, G>A on the plus strand (C>T on the coding strand, the complement: OPA3 is on the minus strand). VCF-style: chr19-45553791-G-A. GRCh37 (hg19) VCF-style: chr19-46057049-G-A.
Other names: c.143-24335C>T (NM_001017989.3); short protein forms T88I.
Identifiers: ClinVar variation 3749827 (VCV003749827.2).